The following is an entry in ClinVar:

NM_000352.6(ABCC8):c.4609-16C>T

Gene: ABCC8 (ATP binding cassette subfamily C member 8; minus strand). Cytogenetic location: 11p15.1.
Variant type: single nucleotide variant.
Coding change: c.4609-16C>T on transcript NM_000352.6 (MANE Select); 16 bases into the intron before coding-DNA position 4609, C replaced by T.
Molecular consequence: intron variant.
Genome position (GRCh38, 1-based): chr11:17,393,144, G>A on the plus strand (C>T on the coding strand, the complement: ABCC8 is on the minus strand). VCF-style: chr11-17393144-G-A. GRCh37 (hg19) VCF-style: chr11-17414691-G-A.
Other names: c.4606-16C>T (NM_001351297.2); c.4609-16C>T (NM_001351296.2); c.4675-16C>T (NM_001351295.2); c.4612-16C>T (NM_001287174.3).
Identifiers: ClinVar variation 2161629 (VCV002161629.5), dbSNP rs1045273458, ClinGen allele CA218405717.

ClinVar aggregate classification (germline): Likely benign. Review status: criteria provided, multiple submitters, no conflicts (2 of 4 stars). 2 submissions from 2 submitters: Likely benign (2). Last evaluated 2025-02-21.

Allele frequency attached by ClinVar (database versions not stated): gnomAD 0.00003; TOPMed 0.00003.
gnomAD v4.1: 10 of 1,613,028 alleles (0.00062%); highest among the groups gnomAD compares: African/African-American, 0.012%; no homozygotes.

Submissions (2):

Women's Health and Genetics/Laboratory Corporation of America, LabCorp
Classification: Likely benign. Last evaluated: 2025-02-21. Review status: criteria provided, single submitter. Criteria: LabCorp Variant Classification Summary - May 2015. Collection method: clinical testing. Allele origin: germline.
Comment: Variant summary: ABCC8 c.4609-16C>T alters a nucleotide located at a position not widely known to affect splicing. Consensus agreement among computation tools predict no significant impact on normal splicing. However, these predictions have yet to be confirmed by functional studies. The variant allele was found at a frequency of 1.2e-05 in 249588 control chromosomes. The available data on variant occurrences in the general population are insufficient to allow any conclusion about variant significance. To our knowledge, no occurrence of c.4609-16C>T in individuals affected with Familial Hyperinsulinism and no experimental evidence demonstrating its impact on protein function have been reported. ClinVar contains an entry for this variant (Variation ID: 2161629). Based on the evidence outlined above, the variant was classified as likely benign.

Labcorp Genetics (formerly Invitae), Labcorp
Classification: Likely benign. Last evaluated: 2022-10-07. Review status: criteria provided, single submitter. Criteria: Invitae Variant Classification Sherloc (09022015). Collection method: clinical testing. Allele origin: germline.